The following is an entry in ClinVar:

ClinVar aggregate classification (germline): Likely benign (1 of 4 stars; one submission).

Allele frequency attached by ClinVar (database versions not stated): gnomAD exomes 0.00048; 1000 Genomes Project 0.00339; 1000 Genomes Project 30x 0.00375; gnomAD 0.00484 and 0.00527.

Submission:

GeneDx
Classification: Likely benign. Last evaluated: 2018-06-18. Review status: criteria provided, single submitter. Criteria: GeneDx Variant Classification (06012015). Collection method: clinical testing. Allele origin: germline. Affected: yes.
Comment: This variant is considered likely benign or benign based on one or more of the following criteria: it is a conservative change, it occurs at a poorly conserved position in the protein, it is predicted to be benign by multiple in silico algorithms, and/or has population frequency not consistent with disease.

NM_007078.3(LDB3):c.1232-97_1232-96insG

Gene: LDB3 (LIM domain binding 3; plus strand). Cytogenetic location: 10q23.2.
Variant type: Insertion.
Coding change: c.1232-97_1232-96insG on transcript NM_007078.3 (MANE Select); 97 bases into the intron before coding-DNA position 1232 through 96 bases into the intron before coding-DNA position 1232, G inserted.
Molecular consequence: intron variant.
Genome position: GRCh38 VCF-style: chr10-86716230-A-AG. GRCh37 (hg19) VCF-style: chr10-88475987-A-AG.
Other names: c.1043-97_1043-96insG (NM_001368064.1, NM_001368065.1); c.1247-97_1247-96insG (NM_001171610.2); c.1091-97_1091-96insG (NM_001368066.1); c.902-97_902-96insG (NM_001080114.2).
Identifiers: ClinVar variation 675770 (VCV000675770.1), dbSNP rs537326671, ClinGen allele CA211204713.